The following is an entry in ClinVar:

ClinVar aggregate classification (germline): Conflicting classifications of pathogenicity. Review status: criteria provided, conflicting classifications (1 of 4 stars). 10 submissions from 10 submitters: Uncertain significance (7); Likely benign (2). 1 of the submissions does not count toward it. Last evaluated 2026-01-26.

Conditions:
POLE-related disorder. Also called: POLE-related disorders; POLE-related condition.
Polymerase proofreading-related adenomatous polyposis. Also called: Polymerase proofreading associated polyposis; Polymerase proofreading–associated polyposis (PPAP). Identifiers: Orphanet 447877, MedGen C5202613, MONDO:0018653.
Intrauterine growth retardation, metaphyseal dysplasia, adrenal hypoplasia congenita, genital anomalies, and immunodeficiency. Also called: IMAGEI SYNDROME. Identifiers: MedGen C5193036, MONDO:0032684, OMIM 618336.
Facial dysmorphism-immunodeficiency-livedo-short stature syndrome. Also called: FILS syndrome; Facial dysmorphism, immunodeficiency, livedo, and short stature. Identifiers: Orphanet 352712, MedGen C3554576, MONDO:0014058, OMIM 615139.
Colorectal cancer, susceptibility to, 12 (CRCS12). Also called: COLORECTAL CANCER, SUSCEPTIBILITY TO, ON CHROMOSOME 12q24. Identifiers: Orphanet 220460, MedGen C3554460, MONDO:0014038, OMIM 615083.
Hereditary cancer-predisposing syndrome. Also called: Neoplastic Syndromes, Hereditary; Tumor predisposition; Hereditary Cancer Syndrome; Hereditary neoplastic syndrome. Identifiers: Orphanet 140162, MedGen C0027672, MeSH D009386, MONDO:0015356.

Allele frequency attached by ClinVar (database versions not stated): gnomAD 0.00001 and 0.00002; gnomAD exomes 0.00002; TOPMed 0.00002; ExAC 0.00004.
gnomAD v4.1: 33 of 1,613,502 alleles (0.002%); highest among the groups gnomAD compares: Non-Finnish European, 0.0025%; no homozygotes.

Submissions (10):

Labcorp Genetics (formerly Invitae), Labcorp
Classification: Uncertain significance. Last evaluated: 2026-01-26. Review status: criteria provided, single submitter. Criteria: Invitae Variant Classification Sherloc (09022015). Collection method: clinical testing. Allele origin: germline.
Comment: This sequence change replaces valine, which is neutral and non-polar, with methionine, which is neutral and non-polar, at codon 2025 of the POLE protein (p.Val2025Met). This variant is present in population databases (no rsID available, gnomAD 0.005%). This variant has not been reported in the literature in individuals affected with POLE-related conditions. ClinVar contains an entry for this variant (Variation ID: 405634). An algorithm developed to predict the effect of missense changes on protein structure and function outputs the following: PolyPhen-2: "Benign". The methionine amino acid residue is found in multiple mammalian species, which suggests that this missense change does not adversely affect protein function. In summary, the available evidence is currently insufficient to determine the role of this variant in disease. Therefore, it has been classified as a Variant of Uncertain Significance.

Center for Genomic Medicine, Rigshospitalet, Copenhagen University Hospital
Classification: Uncertain significance. Last evaluated: 2025-03-04. Review status: criteria provided, single submitter. Criteria: ACMG Guidelines, 2015. Collection method: clinical testing. Allele origin: germline.

Ambry Genetics
Classification: Likely benign for Hereditary cancer-predisposing syndrome. Last evaluated: 2025-01-07. Review status: criteria provided, single submitter. Criteria: Ambry Variant Classification Scheme 2023. Collection method: clinical testing. Allele origin: germline.

Blueprint Genetics
Classification: Likely benign. Last evaluated: 2024-11-15. Review status: criteria provided, single submitter. Criteria: ACMG Guidelines, 2015. Collection method: clinical testing. Allele origin: germline.

GeneDx
Classification: Uncertain significance. Last evaluated: 2023-07-05. Review status: criteria provided, single submitter. Criteria: GeneDx Variant Classification Process June 2021. Collection method: clinical testing. Allele origin: germline. Affected: yes.
Comment: Not observed at significant frequency in large population cohorts (gnomAD); In silico analysis supports that this missense variant does not alter protein structure/function; Has not been previously published as a pathogenic or benign germline variant to our knowledge; This variant is associated with the following publications: (PMID: 31829442)

Fulgent Genetics
Classification: Uncertain significance for Colorectal cancer, susceptibility to, 12; Facial dysmorphism-immunodeficiency-livedo-short stature syndrome; Intrauterine growth retardation, metaphyseal dysplasia, adrenal hypoplasia congenita, genital anomalies, and immunodeficiency. Last evaluated: 2021-11-10. Review status: criteria provided, single submitter. Criteria: ACMG Guidelines, 2015. Collection method: clinical testing. Allele origin: unknown.

Department of Pathology and Laboratory Medicine, Sinai Health System
Classification: Uncertain significance for Polymerase proofreading-related adenomatous polyposis. Last evaluated: 2019-11-04. Review status: criteria provided, single submitter. Criteria: ACMG Guidelines, 2015. Collection method: clinical testing. Allele origin: germline. Affected: yes.

Genetic Services Laboratory, University of Chicago
Classification: Uncertain significance. Last evaluated: 2019-10-18. Review status: criteria provided, single submitter. Criteria: ACMG Guidelines, 2015. Collection method: clinical testing. Allele origin: germline. Affected: no.

Quest Diagnostics Nichols Institute San Juan Capistrano
Classification: Uncertain significance. Last evaluated: 2018-11-02. Review status: criteria provided, single submitter. Criteria: Quest Diagnostics criteria. Collection method: clinical testing. Allele origin: germline.

PreventionGenetics, part of Exact Sciences
Classification: Uncertain significance for POLE-related condition. Last evaluated: 2024-03-28. Review status: no assertion criteria provided. Collection method: clinical testing. Allele origin: germline. Not counted in ClinVar's aggregate classification.
Comment: The POLE c.6073G>A variant is predicted to result in the amino acid substitution p.Val2025Met. To our knowledge, this variant has not been reported in the literature. This variant is reported in 0.0039% of alleles in individuals of European (Non-Finnish) descent in gnomAD and has been reported in ClinVar as uncertain. At this time, the clinical significance of this variant is uncertain due to the absence of conclusive functional and genetic evidence.

NM_006231.4(POLE):c.6073G>A (p.Val2025Met)

Gene: POLE (DNA polymerase epsilon, catalytic subunit; minus strand). Cytogenetic location: 12q24.33.
Variant type: single nucleotide variant.
Coding change: c.6073G>A on transcript NM_006231.4 (MANE Select); coding-DNA position 6073, G replaced by A.
Protein change: p.Val2025Met; replaces valine 2025 with methionine.
Molecular consequence: missense variant.
Genome position (GRCh38, 1-based): chr12:132,632,727, C>T on the plus strand (G>A on the coding strand, the complement: POLE is on the minus strand). VCF-style: chr12-132632727-C-T. GRCh37 (hg19) VCF-style: chr12-133209313-C-T.
Other names: short protein forms V2025M.
Identifiers: ClinVar variation 405634 (VCV000405634.35), dbSNP rs995579204, ClinGen allele CA6892285.